The following is an entry in ClinVar:

ClinVar aggregate classification (germline): Uncertain significance (1 of 4 stars; one submission).

Allele frequency attached by ClinVar (database versions not stated): TOPMed 0.00001; 1000 Genomes Project 30x 0.00016.
gnomAD v4.1: 21 of 1,551,682 alleles (0.0014%); highest among the groups gnomAD compares: South Asian, 0.0059%; no homozygotes.

Submission:

Labcorp Genetics (formerly Invitae), Labcorp
Classification: Uncertain significance. Last evaluated: 2022-10-13. Review status: criteria provided, single submitter. Criteria: Invitae Variant Classification Sherloc (09022015). Collection method: clinical testing. Allele origin: germline.
Comment: This sequence change replaces alanine, which is neutral and non-polar, with valine, which is neutral and non-polar, at codon 3126 of the UNC80 protein (p.Ala3126Val). This variant is not present in population databases (gnomAD no frequency). This variant has not been reported in the literature in individuals affected with UNC80-related conditions. Advanced modeling of protein sequence and biophysical properties (such as structural, functional, and spatial information, amino acid conservation, physicochemical variation, residue mobility, and thermodynamic stability) performed at Invitae indicates that this missense variant is not expected to disrupt UNC80 protein function. In summary, the available evidence is currently insufficient to determine the role of this variant in disease. Therefore, it has been classified as a Variant of Uncertain Significance.

NM_001371986.1(UNC80):c.9575C>T (p.Ala3192Val)

Gene: UNC80 (unc-80 homolog, NALCN channel complex subunit; plus strand). Cytogenetic location: 2q34.
Variant type: single nucleotide variant.
Coding change: c.9575C>T on transcript NM_001371986.1 (MANE Select); coding-DNA position 9575, C replaced by T.
Protein change: p.Ala3192Val; replaces alanine 3192 with valine.
Molecular consequence: missense variant.
Genome position (GRCh38, 1-based): chr2:209,994,131, C>T. VCF-style: chr2-209994131-C-T. GRCh37 (hg19) VCF-style: chr2-210858855-C-T.
Other names: c.9377C>T, p.Ala3126Val (NM_032504.2); c.9305C>T, p.Ala3102Val (NM_182587.4); short protein forms A3126V, A3102V, A3192V.
Identifiers: ClinVar variation 1913384 (VCV001913384.2), dbSNP rs1224904650, ClinGen allele CA350415821.